The following is an entry in ClinVar:

NM_000180.4(GUCY2D):c.1323A>T (p.Ser441=)

Gene: GUCY2D (guanylate cyclase 2D, retinal; plus strand). Cytogenetic location: 17p13.1.
Variant type: single nucleotide variant.
Coding change: c.1323A>T on transcript NM_000180.4 (MANE Select); coding-DNA position 1323, A replaced by T.
Protein change: p.Ser441=; no amino-acid change (serine 441 retained).
Molecular consequence: synonymous variant.
Genome position (GRCh38, 1-based): chr17:8,006,659, A>T. VCF-style: chr17-8006659-A-T. GRCh37 (hg19) VCF-style: chr17-7909977-A-T.
Other names: c.1323A>T (NM_000180.3).
Identifiers: ClinVar variation 1609482 (VCV001609482.11), dbSNP rs780550917, ClinGen allele CA8365713.

ClinVar aggregate classification (germline): Likely benign. Review status: criteria provided, multiple submitters, no conflicts (2 of 4 stars). 3 submissions from 3 submitters: Likely benign (2). 1 of the submissions does not count toward it. Last evaluated 2024-05-30.

Conditions:
Leber congenital amaurosis 1 (LCA1). Also called: Congenital absence of the rods and cones; Leber's congenital tapetoretinal degeneration; Leber's congenital tapetoretinal dysplasia; AMAUROSIS CONGENITA OF LEBER I; RETINAL BLINDNESS, CONGENITAL. Identifiers: Orphanet 65, MedGen C2931258, MONDO:0008764, OMIM 204000.
Cone-rod dystrophy 6 (CORD6). Also called: Cone dystrophy progressive; RETINAL CONE DYSTROPHY 2. Identifiers: Orphanet 1872, MedGen C1866293, MONDO:0011143, OMIM 601777.
GUCY2D-related disorder. Also called: GUCY2D-related condition.

Allele frequency attached by ClinVar (database versions not stated): gnomAD 0.00001; gnomAD exomes 0.00002 and 0.00005; ExAC 0.00006.
gnomAD v4.1: 31 of 1,612,360 alleles (0.0019%); highest among the groups gnomAD compares: South Asian, 0.032%; no homozygotes.

Submissions (3):

Labcorp Genetics (formerly Invitae), Labcorp
Classification: Likely benign for Leber congenital amaurosis 1; Cone-rod dystrophy 6. Last evaluated: 2024-05-30. Review status: criteria provided, single submitter. Criteria: Invitae Variant Classification Sherloc (09022015). Collection method: clinical testing. Allele origin: germline.

Blueprint Genetics
Classification: Likely benign. Last evaluated: 2021-03-04. Review status: criteria provided, single submitter. Criteria: ACMG Guidelines, 2015. Collection method: clinical testing. Allele origin: germline.

PreventionGenetics, part of Exact Sciences
Classification: Likely benign for GUCY2D-related condition. Last evaluated: 2020-02-03. Review status: no assertion criteria provided. Collection method: clinical testing. Allele origin: germline. Not counted in ClinVar's aggregate classification.
Comment: This variant is classified as likely benign based on ACMG/AMP sequence variant interpretation guidelines (Richards et al. 2015 PMID: 25741868, with internal and published modifications).